The following is an entry in ClinVar:

ClinVar aggregate classification (germline): Uncertain significance (1 of 4 stars; one submission).

Submission:

GeneDx
Classification: Uncertain significance. Last evaluated: 2026-02-13. Review status: criteria provided, single submitter. Criteria: GeneDx Variant Classification Process June 2021. Collection method: clinical testing. Allele origin: germline.
Comment: Not observed at significant frequency in large population cohorts (gnomAD); In silico analysis suggests that this missense variant does not alter protein structure/function; Has not been previously published as pathogenic or benign to our knowledge

NM_006885.4(ZFHX3):c.7582A>C (p.Ile2528Leu)

Genes: ZFHX3 (zinc finger homeobox 3; minus strand), ZFHX3-AS1 (ZFHX3 antisense RNA 1; plus strand). Cytogenetic location: 16q22.2.
Variant type: single nucleotide variant.
Coding change: c.7582A>C on transcript NM_006885.4 (MANE Select); coding-DNA position 7582, A replaced by C.
Protein change: p.Ile2528Leu; replaces isoleucine 2528 with leucine.
Molecular consequence: missense variant.
Genome position (GRCh38, 1-based): chr16:72,795,100, T>G on the plus strand (A>C on the coding strand, the complement: ZFHX3 is on the minus strand). VCF-style: chr16-72795100-T-G. GRCh37 (hg19) VCF-style: chr16-72828999-T-G.
Other names: c.4840A>C, p.Ile1614Leu (NM_001164766.2); c.7582A>C, p.Ile2528Leu (NM_001386735.1); short protein forms I1614L, I2528L.
Identifiers: ClinVar variation 4976506 (VCV004976506.1).